The following is an entry in ClinVar:

ClinVar aggregate classification (germline): Uncertain significance. Review status: criteria provided, multiple submitters, no conflicts (2 of 4 stars). 2 submissions from 2 submitters: Uncertain significance (2). Last evaluated 2024-01-10.

Conditions:
Nephronophthisis 15 (NPHP15). Identifiers: Orphanet 3156, MedGen C3541853, MONDO:0013917, OMIM 614845.

Allele frequency attached by ClinVar (database versions not stated): gnomAD 0.00001; TOPMed 0.00001; gnomAD exomes 0.00002; ExAC 0.00003.
gnomAD v4.1: 29 of 1,613,744 alleles (0.0018%); highest among the groups gnomAD compares: Non-Finnish European, 0.0024%; no homozygotes.

Submissions (2):

Fulgent Genetics
Classification: Uncertain significance for Nephronophthisis 15. Last evaluated: 2024-01-10. Review status: criteria provided, single submitter. Criteria: ACMG Guidelines, 2015. Collection method: clinical testing. Allele origin: germline.

Labcorp Genetics (formerly Invitae), Labcorp
Classification: Uncertain significance for Nephronophthisis 15. Last evaluated: 2022-04-01. Review status: criteria provided, single submitter. Criteria: Invitae Variant Classification Sherloc (09022015). Collection method: clinical testing. Allele origin: germline.
Comment: This sequence change replaces glutamic acid, which is acidic and polar, with glutamine, which is neutral and polar, at codon 664 of the CEP164 protein (p.Glu664Gln). This variant is present in population databases (rs769232987, gnomAD 0.004%). This variant has not been reported in the literature in individuals affected with CEP164-related conditions. Algorithms developed to predict the effect of missense changes on protein structure and function are either unavailable or do not agree on the potential impact of this missense change (SIFT: "Deleterious"; PolyPhen-2: "Probably Damaging"; Align-GVGD: "Class C0"). In summary, the available evidence is currently insufficient to determine the role of this variant in disease. Therefore, it has been classified as a Variant of Uncertain Significance.

NM_014956.5(CEP164):c.1990G>C (p.Glu664Gln)

Gene: CEP164 (centrosomal protein 164; plus strand). Cytogenetic location: 11q23.3.
Variant type: single nucleotide variant.
Coding change: c.1990G>C on transcript NM_014956.5 (MANE Select); coding-DNA position 1990, G replaced by C.
Protein change: p.Glu664Gln; replaces glutamic acid 664 with glutamine.
Molecular consequence: missense variant.
Genome position (GRCh38, 1-based): chr11:117,390,832, G>C. VCF-style: chr11-117390832-G-C. GRCh37 (hg19) VCF-style: chr11-117261548-G-C.
Other names: c.1999G>C, p.Glu667Gln (NM_001271933.2); short protein forms E667Q, E664Q.
Identifiers: ClinVar variation 1934913 (VCV001934913.6), dbSNP rs769232987, ClinGen allele CA6294922.